The following is an entry in ClinVar:

NM_001126128.2(PROK2):c.302G>A (p.Arg101Gln)

Gene: PROK2 (prokineticin 2; minus strand). Cytogenetic location: 3p13.
Variant type: single nucleotide variant.
Coding change: c.302G>A on transcript NM_001126128.2 (MANE Select); coding-DNA position 302, G replaced by A.
Protein change: p.Arg101Gln; replaces arginine 101 with glutamine.
Molecular consequence: missense variant.
Genome position (GRCh38, 1-based): chr3:71,772,812, C>T on the plus strand (G>A on the coding strand, the complement: PROK2 is on the minus strand). VCF-style: chr3-71772812-C-T. GRCh37 (hg19) VCF-style: chr3-71821963-C-T.
Other names: c.302G>A (NM_001126128.1); c.239G>A, p.Arg80Gln (NM_021935.4); short protein forms R101Q, R80Q.
Identifiers: ClinVar variation 1415394 (VCV001415394.12), dbSNP rs376839931, ClinGen allele CA2491962.

ClinVar aggregate classification (germline): Uncertain significance. Review status: criteria provided, multiple submitters, no conflicts (2 of 4 stars). 3 submissions from 3 submitters: Uncertain significance (3). Last evaluated 2026-04-07.

Conditions:
PROK2-related disorder. Also called: PROK2-related condition.

Allele frequency attached by ClinVar (database versions not stated): ExAC 0.00010; gnomAD exomes 0.00010 and 0.00018; TOPMed 0.00011; ESP Exome Variant Server 0.00015; gnomAD 0.00018 and 0.00019.
gnomAD v4.1: 286 of 1,613,910 alleles (0.018%); highest among the groups gnomAD compares: Non-Finnish European, 0.022%; no homozygotes.

Submissions (3):

PreventionGenetics, part of Exact Sciences
Classification: Uncertain significance for PROK2-related condition. Last evaluated: 2026-04-07. Review status: criteria provided, single submitter. Criteria: ACMG Guidelines, 2015. Collection method: clinical testing. Allele origin: germline.
Comment: The PROK2 c.302G>A variant is predicted to result in the amino acid substitution p.Arg101Gln. This variant was reported in an individual with Kallman syndrome, but no further evidence was provided to establish its pathogenicity (Dodé and Rondard. 2013. PubMed ID: 23596439). This variant is reported in 0.025% of alleles in individuals of East Asian descent in gnomAD. At this time, the clinical significance of this variant is uncertain due to the absence of conclusive functional and genetic evidence.

Labcorp Genetics (formerly Invitae), Labcorp
Classification: Uncertain significance. Last evaluated: 2025-01-20. Review status: criteria provided, single submitter. Criteria: Invitae Variant Classification Sherloc (09022015). Collection method: clinical testing. Allele origin: germline.
Comment: This sequence change replaces arginine, which is basic and polar, with glutamine, which is neutral and polar, at codon 101 of the PROK2 protein (p.Arg101Gln). This variant is present in population databases (rs376839931, gnomAD 0.03%). This variant has not been reported in the literature in individuals affected with PROK2-related conditions. ClinVar contains an entry for this variant (Variation ID: 1415394). An algorithm developed to predict the effect of missense changes on protein structure and function (PolyPhen-2) suggests that this variant is likely to be tolerated. Algorithms developed to predict the effect of sequence changes on RNA splicing suggest that this variant may disrupt the consensus splice site. In summary, the available evidence is currently insufficient to determine the role of this variant in disease. Therefore, it has been classified as a Variant of Uncertain Significance.

Blueprint Genetics
Classification: Uncertain significance. Last evaluated: 2024-11-22. Review status: criteria provided, single submitter. Criteria: ACMG Guidelines, 2015. Collection method: clinical testing. Allele origin: germline.